The following is an entry in ClinVar:

NM_153240.5(NPHP3):c.2171+10G>A

Genes: NPHP3 (nephrocystin 3; minus strand), NPHP3-ACAD11 (NPHP3-ACAD11 readthrough (NMD candidate); minus strand). Cytogenetic location: 3q22.1.
Variant type: single nucleotide variant.
Coding change: c.2171+10G>A on transcript NM_153240.5 (MANE Select); 10 bases into the intron after coding-DNA position 2171, G replaced by A.
Molecular consequence: intron variant.
Genome position (GRCh38, 1-based): chr3:132,696,721, C>T on the plus strand (G>A on the coding strand, the complement: NPHP3 is on the minus strand). VCF-style: chr3-132696721-C-T. GRCh37 (hg19) VCF-style: chr3-132415565-C-T.
Identifiers: ClinVar variation 2119150 (VCV002119150.4), dbSNP rs2530420428, ClinGen allele CA2580068780.

ClinVar aggregate classification (germline): Uncertain significance (1 of 4 stars; one submission).

Conditions:
Nephronophthisis. Also called: Juvenile Nephronophthisis. Identifiers: Orphanet 655, MedGen C0687120, MONDO:0019005, HP:0000090.

Submission:

Labcorp Genetics (formerly Invitae), Labcorp
Classification: Uncertain significance for Nephronophthisis. Last evaluated: 2022-10-05. Review status: criteria provided, single submitter. Criteria: Invitae Variant Classification Sherloc (09022015). Collection method: clinical testing. Allele origin: germline.
Comment: In summary, the available evidence is currently insufficient to determine the role of this variant in disease. Therefore, it has been classified as a Variant of Uncertain Significance. Algorithms developed to predict the effect of sequence changes on RNA splicing suggest that this variant may create or strengthen a splice site. This variant has not been reported in the literature in individuals affected with NPHP3-related conditions. This variant is not present in population databases (gnomAD no frequency). This sequence change falls in intron 15 of the NPHP3 gene. It does not directly change the encoded amino acid sequence of the NPHP3 protein.